The following is an entry in ClinVar:

NM_001123385.2(BCOR):c.2416G>A (p.Val806Ile)

Gene: BCOR (BCL6 corepressor; minus strand). Cytogenetic location: Xp11.4.
Variant type: single nucleotide variant.
Coding change: c.2416G>A on transcript NM_001123385.2 (MANE Select); coding-DNA position 2416, G replaced by A.
Protein change: p.Val806Ile; replaces valine 806 with isoleucine.
Molecular consequence: missense variant.
Genome position (GRCh38, 1-based): chrX:40,072,930, C>T on the plus strand (G>A on the coding strand, the complement: BCOR is on the minus strand). VCF-style: chrX-40072930-C-T. GRCh37 (hg19) VCF-style: chrX-39932183-C-T.
Other names: c.2416G>A, p.Val806Ile (NM_001123383.2, NM_001123384.2, NM_017745.6); short protein forms V806I.
Identifiers: ClinVar variation 1305180 (VCV001305180.4), dbSNP rs746216348, ClinGen allele CA327991934.
Genomic context (GRCh38, chrX:40,072,930, plus strand): 5'-AGCTGGGTTTGGACACGTTTGTGTCAGTTTTAGCATCTGGTTCTTCTCGGAGAAGGTCTA[C>T]GTAGACAAGCTTGTCGCTTTTGACAACAGTCTTCCCTTGATTCCAGTTGGGGTTCGGCTT-3'
Protein context (NP_001116857.1, residues 796-816): TVVKSDKLVY[Val806Ile]DLLREEPDAK

ClinVar aggregate classification (germline): Uncertain significance. Review status: criteria provided, multiple submitters, no conflicts (2 of 4 stars). 2 submissions from 2 submitters: Uncertain significance (2). Last evaluated 2024-10-03.

Conditions:
Oculofaciocardiodental syndrome (MCOPS2). Identifiers: Orphanet 2712, MedGen C1846265, MONDO:0010261, OMIM 300166.

Allele frequency attached by ClinVar (database versions not stated): gnomAD exomes 0.00001; TOPMed 0.00001.
gnomAD v4.1: 10 of 1,211,438 alleles (0.00083%); highest among the groups gnomAD compares: Middle Eastern, 0.023%; no homozygotes.

Submissions (2):

Labcorp Genetics (formerly Invitae), Labcorp
Classification: Uncertain significance for Oculofaciocardiodental syndrome. Last evaluated: 2024-10-03. Review status: criteria provided, single submitter. Criteria: Invitae Variant Classification Sherloc (09022015). Collection method: clinical testing. Allele origin: germline.
Comment: This sequence change replaces valine, which is neutral and non-polar, with isoleucine, which is neutral and non-polar, at codon 806 of the BCOR protein (p.Val806Ile). This variant is not present in population databases (gnomAD no frequency). This variant has not been reported in the literature in individuals affected with BCOR-related conditions. ClinVar contains an entry for this variant (Variation ID: 1305180). An algorithm developed to predict the effect of missense changes on protein structure and function outputs the following: PolyPhen-2: "Benign". The isoleucine amino acid residue is found in multiple mammalian species, which suggests that this missense change does not adversely affect protein function. In summary, the available evidence is currently insufficient to determine the role of this variant in disease. Therefore, it has been classified as a Variant of Uncertain Significance.

GeneDx
Classification: Uncertain significance. Last evaluated: 2019-04-23. Review status: criteria provided, single submitter. Criteria: GeneDx Variant Classification Process June 2021. Collection method: clinical testing. Allele origin: germline. Affected: yes.
Comment: Not observed in large population cohorts (Lek et al., 2016); In silico analysis, which includes protein predictors and evolutionary conservation, supports that this variant does not alter protein structure/function; Has not been previously published as pathogenic or benign to our knowledge